The following is an entry in ClinVar:

NM_203446.3(SYNJ1):c.*767T>G

Gene: SYNJ1 (synaptojanin 1; minus strand). Cytogenetic location: 21q22.11.
Variant type: single nucleotide variant.
Coding change: c.*767T>G on transcript NM_203446.3 (MANE Select); 767 bases downstream of the stop codon, T replaced by G.
Molecular consequence: 3 prime UTR variant. On other transcripts: missense variant (2).
Genome position (GRCh38, 1-based): chr21:32,631,038, A>C on the plus strand (T>G on the coding strand, the complement: SYNJ1 is on the minus strand). VCF-style: chr21-32631038-A-C. GRCh37 (hg19) VCF-style: chr21-34003348-A-C.
Other names: c.*767T>G (NM_001160302.2); c.4538T>G, p.Leu1513Trp (NM_001160306.2); c.4796T>G, p.Leu1599Trp (NM_003895.4); short protein forms L1599W, L1513W.
Identifiers: ClinVar variation 639005 (VCV000639005.4), dbSNP rs764949465, ClinGen allele CA319449527.

ClinVar aggregate classification (germline): Uncertain significance (1 of 4 stars; one submission).

Conditions:
Developmental and epileptic encephalopathy, 53. Also called: Epileptic encephalopathy, early infantile, 53. Identifiers: MedGen C4479313, MONDO:0033362, OMIM 617389.
Early-onset Parkinson disease 20. Also called: PARKINSON DISEASE 20, AUTOSOMAL RECESSIVE EARLY-ONSET. Identifiers: Orphanet 391411, MedGen C3809824, MONDO:0014233, OMIM 615530.

gnomAD v4.1: 1 of 1,614,098 alleles (0.000062%); no homozygotes.

Submission:

Labcorp Genetics (formerly Invitae), Labcorp
Classification: Uncertain significance for Developmental and epileptic encephalopathy, 53; Early-onset Parkinson disease 20. Last evaluated: 2022-07-05. Review status: criteria provided, single submitter. Criteria: Invitae Variant Classification Sherloc (09022015). Collection method: clinical testing. Allele origin: germline.
Comment: This sequence change replaces leucine, which is neutral and non-polar, with tryptophan, which is neutral and slightly polar, at codon 1599 of the SYNJ1 protein (p.Leu1599Trp). This variant is not present in population databases (gnomAD no frequency). This variant has not been reported in the literature in individuals affected with SYNJ1-related conditions. ClinVar contains an entry for this variant (Variation ID: 639005). Algorithms developed to predict the effect of missense changes on protein structure and function are either unavailable or do not agree on the potential impact of this missense change (SIFT: "Deleterious"; PolyPhen-2: "Possibly Damaging"; Align-GVGD: "Class C0"). In summary, the available evidence is currently insufficient to determine the role of this variant in disease. Therefore, it has been classified as a Variant of Uncertain Significance.